The following is an entry in ClinVar:

NM_004407.4(DMP1):c.1433A>C (p.Asp478Ala)

Genes: DMP1 (dentin matrix acidic phosphoprotein 1; plus strand), DMP1-AS1 (DMP1 and DSPP antisense RNA 1; minus strand). Cytogenetic location: 4q22.1.
Variant type: single nucleotide variant.
Coding change: c.1433A>C on transcript NM_004407.4 (MANE Select); coding-DNA position 1433, A replaced by C.
Protein change: p.Asp478Ala; replaces aspartic acid 478 with alanine.
Molecular consequence: missense variant.
Genome position (GRCh38, 1-based): chr4:87,663,211, A>C. VCF-style: chr4-87663211-A-C. GRCh37 (hg19) VCF-style: chr4-88584363-A-C.
Other names: p.Asp478Ala; c.1385A>C, p.Asp462Ala (NM_001079911.3); short protein forms D478A, D462A.
Identifiers: ClinVar variation 499915 (VCV000499915.16), dbSNP rs148156611, ClinGen allele CA3002204.

ClinVar aggregate classification (germline): Uncertain significance. Review status: criteria provided, multiple submitters, no conflicts (2 of 4 stars). 5 submissions from 5 submitters: Uncertain significance (5). Last evaluated 2023-08-31.

Conditions:
Hypophosphatemic rickets, autosomal recessive, 1 (ARHR1). Also called: HYPOPHOSPHATEMIA, AUTOSOMAL RECESSIVE. Identifiers: Orphanet 289176, MedGen C4551495, MONDO:0009430, OMIM 241520. Disease mechanism: loss of function.

Allele frequency attached by ClinVar (database versions not stated): ESP Exome Variant Server 0.00023; ExAC 0.00028; gnomAD exomes 0.00040 and 0.00046; gnomAD 0.00043 and 0.00044; 1000 Genomes Project 30x 0.00047; 1000 Genomes Project 0.00060; TOPMed 0.00068.

Submissions (5):

Mayo Clinic Laboratories, Mayo Clinic
Classification: Uncertain significance. Last evaluated: 2023-08-31. Review status: criteria provided, single submitter. Criteria: ACMG Guidelines, 2015. Collection method: clinical testing. Allele origin: germline. Observed: 2 variant alleles.
Comment: BP4

Labcorp Genetics (formerly Invitae), Labcorp
Classification: Uncertain significance. Last evaluated: 2022-07-10. Review status: criteria provided, single submitter. Criteria: Invitae Variant Classification Sherloc (09022015). Collection method: clinical testing. Allele origin: germline.
Comment: This sequence change replaces aspartic acid, which is acidic and polar, with alanine, which is neutral and non-polar, at codon 478 of the DMP1 protein (p.Asp478Ala). This variant is present in population databases (rs148156611, gnomAD 0.1%). This variant has not been reported in the literature in individuals affected with DMP1-related conditions. ClinVar contains an entry for this variant (Variation ID: 499915). Algorithms developed to predict the effect of missense changes on protein structure and function output the following: SIFT: "Deleterious"; PolyPhen-2: "Not Available"; Align-GVGD: "Class C0". The alanine amino acid residue is found in multiple mammalian species, which suggests that this missense change does not adversely affect protein function. In summary, the available evidence is currently insufficient to determine the role of this variant in disease. Therefore, it has been classified as a Variant of Uncertain Significance.

Illumina Laboratory Services, Illumina
Classification: Uncertain significance for Hypophosphatemic rickets, autosomal recessive, 1. Last evaluated: 2017-04-27. Review status: criteria provided, single submitter. Criteria: ICSL Variant Classification Criteria 13 December 2019. Collection method: clinical testing. Allele origin: germline.

Eurofins Ntd Llc (ga)
Classification: Uncertain significance. Last evaluated: 2017-01-17. Review status: criteria provided, single submitter. Criteria: EGL Classification Definitions 2015. Collection method: clinical testing. Allele origin: germline. Observed: 2 variant alleles, 2 heterozygotes.

Breakthrough Genomics
Classification: Uncertain significance. Review status: criteria provided, single submitter. Criteria: ACMG Guidelines, 2015. Collection method: not provided. Allele origin: germline. Inheritance: Autosomal recessive inheritance. Affected: yes.

Literature cited by the submitters: PubMed 35313637 (cited by Mayo Clinic Laboratories, Mayo Clinic).